The following is an entry in ClinVar:

ClinVar aggregate classification (germline): Pathogenic. Review status: criteria provided, single submitter (1 of 4 stars). 2 submissions from 2 submitters: Pathogenic (1). 1 of the submissions does not count toward it. Last evaluated 2022-11-10.

Conditions:
Retinitis pigmentosa 39 (RP39). Identifiers: Orphanet 791, MedGen C3151138, MONDO:0013436, OMIM 613809.
Usher syndrome type 2A. Also called: RETINAL DISEASE IN USHER SYNDROME TYPE IIA, MODIFIER OF; USHER SYNDROME, TYPE IIA. Identifiers: Orphanet 231178, Orphanet 886, MedGen C1848634, MONDO:0010169, OMIM 276901.

Submissions (2):

Labcorp Genetics (formerly Invitae), Labcorp
Classification: Pathogenic. Last evaluated: 2022-11-10. Review status: criteria provided, single submitter. Criteria: Invitae Variant Classification Sherloc (09022015). Collection method: clinical testing. Allele origin: germline.
Comment: For these reasons, this variant has been classified as Pathogenic. This variant disrupts a region of the USH2A protein in which other variant(s) (p.Asp347Gly) have been determined to be pathogenic (PMID: 25558175, 33576794). This suggests that this is a clinically significant region of the protein, and that variants that disrupt it are likely to be disease-causing. ClinVar contains an entry for this variant (Variation ID: 551629). This variant has not been reported in the literature in individuals affected with USH2A-related conditions. This variant is not present in population databases (gnomAD no frequency). This variant, c.1039_1041del, results in the deletion of 1 amino acid(s) of the USH2A protein (p.Asp347del), but otherwise preserves the integrity of the reading frame.

Counsyl
Classification: Uncertain significance for Usher syndrome type 2A; Retinitis pigmentosa 39. Last evaluated: 2017-04-21. Review status: no assertion criteria provided. Collection method: clinical testing. Allele origin: unknown. Not counted in ClinVar's aggregate classification.

Literature cited by the submitters: PubMed 25558175 (cited by Labcorp Genetics (formerly Invitae), Labcorp); PubMed 33576794 (cited by Labcorp Genetics (formerly Invitae), Labcorp).

NM_206933.4(USH2A):c.1039_1041del (p.Asp347del)

Gene: USH2A (usherin; minus strand). Cytogenetic location: 1q41.
Variant type: Deletion.
Coding change: c.1039_1041del on transcript NM_206933.4 (MANE Select); coding-DNA positions 1039 to 1041, 3 bases deleted (GAT; older notation c.1039_1041delGAT).
Protein change: p.Asp347del; deletes aspartic acid 347.
Molecular consequence: inframe deletion.
Genome position (GRCh38, 1-based): chr1:216,325,407-216,325,409, ATC deleted on the plus strand (GAT on the coding strand, the reverse complement: USH2A is on the minus strand); deleting any 3 consecutive bases within chr1:216,325,407-216,325,411 gives the same sequence; the c. name uses the placement nearest the transcript's 3' end. VCF-style (leftmost placement, unchanged base first): chr1-216325406-TATC-T. GRCh37 (hg19) VCF-style: chr1-216498748-TATC-T.
Other names: c.1039_1041del, p.Asp347del (NM_007123.6); short protein forms D347del.
Identifiers: ClinVar variation 551629 (VCV000551629.6), dbSNP rs1553250786, ClinGen allele CA658822981.